The following is an entry in ClinVar:

ClinVar aggregate classification (germline): Likely pathogenic (1 of 4 stars; one submission).

Conditions:
Familial adenomatous polyposis 2. Also called: COLORECTAL ADENOMATOUS POLYPOSIS, AUTOSOMAL RECESSIVE; ADENOMAS, MULTIPLE COLORECTAL, AUTOSOMAL RECESSIVE; MYH-associated polyposis; FAP type 2; MUTYH-associated polyposis; MUTYH Polyposis. Identifiers: Orphanet 220460, Orphanet 247798, MedGen C3272841, MONDO:0012041, OMIM 608456.

Submission:

Clinical and Functional Genomics Group, A.C.Camargo Cancer Center
Classification: Likely pathogenic for Familial adenomatous polyposis 2. Last evaluated: 2026-06-08. Review status: criteria provided, single submitter. Criteria: CFGG ACC Assertion Criteria V1. Collection method: research. Allele origin: germline. Affected: yes.
Comment: The c.902C>G (p.Pro301Arg) variant in the MUTYH gene results in a missense substitution. This variant is absent from population databases (gnomAD and ABraOM) and is predicted to have a deleterious effect in silico (REVEL score: 0.96). This variant is not reported in ClinVar. Functional analysis using a saturation mutagenesis 8OG:A DNA repair reporter assay demonstrated that the variant results in partial loss of function (PMID: 40738107). Based on the available evidence, this variant has been classified as likely pathogenic (PM2_Supporting, PM3, PP3_Strong, and PP4).

Literature cited by the submitters: PubMed 42164324.

NM_001048174.2(MUTYH):c.818C>G (p.Pro273Arg)

Gene: MUTYH (mutY DNA glycosylase; minus strand). Cytogenetic location: 1p34.1.
Variant type: single nucleotide variant.
Coding change: c.818C>G on transcript NM_001048174.2 (MANE Select); coding-DNA position 818, C replaced by G.
Protein change: p.Pro273Arg; replaces proline 273 with arginine.
Molecular consequence: missense variant. On other transcripts: non-coding transcript variant (7).
Genome position (GRCh38, 1-based): chr1:45,332,197, G>C on the plus strand (C>G on the coding strand, the complement: MUTYH is on the minus strand). VCF-style: chr1-45332197-G-C. GRCh37 (hg19) VCF-style: chr1-45797869-G-C.
Other names: c.818C>G, p.Pro273Arg (NM_001048171.2, NM_001048173.2, NM_001293195.2 and 6 more transcripts); c.821C>G, p.Pro274Arg (NM_001048172.2, NM_001407071.1, NM_001407078.1 and 1 more transcripts); c.902C>G, p.Pro301Arg (NM_001128425.2); c.863C>G, p.Pro288Arg (NM_001293190.2); c.851C>G, p.Pro284Arg (NM_001293191.2, NM_001407069.1, NM_001407077.1); c.542C>G, p.Pro181Arg (NM_001293192.2, NM_001293196.2, NM_001407091.1); c.473C>G, p.Pro158Arg (NM_001350650.2, NM_001350651.2, NM_001407082.1); c.734C>G, p.Pro245Arg (NM_001407075.1); and 5 more; short protein forms P158R, P181R, P245R, P259R, P260R, P273R, P274R, P280R.
Identifiers: ClinVar variation 4884602 (VCV004884602.1).